The following is an entry in ClinVar:

ClinVar aggregate classification (germline): Uncertain significance (1 of 4 stars; one submission).

Conditions:
Lissencephaly 9 with complex brainstem malformation. Identifiers: Orphanet 572013, MedGen C5193029, MONDO:0032677, OMIM 618325.

Submission:

Centre for Mendelian Genomics, University Medical Centre Ljubljana
Classification: Uncertain significance for Lissencephaly 9 with complex brainstem malformation. Last evaluated: 2019-10-08. Review status: criteria provided, single submitter. Criteria: ACMG Guidelines, 2015. Collection method: clinical testing. Allele origin: unknown. Affected: yes.
Comment: This variant was classified as: Uncertain significance. The available evidence on this variant's pathogenicity is insufficient or conflicting. The following ACMG criteria were applied in classifying this variant: PM2,PP3.

NM_001394062.1(MACF1):c.21604G>C (p.Glu7202Gln)

Gene: MACF1 (microtubule actin crosslinking factor 1; plus strand). Cytogenetic location: 1p34.3.
Variant type: single nucleotide variant.
Coding change: c.21604G>C on transcript NM_001394062.1 (MANE Select); coding-DNA position 21604, G replaced by C.
Protein change: p.Glu7202Gln; replaces glutamic acid 7202 with glutamine.
Molecular consequence: missense variant.
Genome position (GRCh38, 1-based): chr1:39,461,963, G>C. VCF-style: chr1-39461963-G-C. GRCh37 (hg19) VCF-style: chr1-39927635-G-C.
Other names: c.15427G>C, p.Glu5143Gln (NM_012090.5); short protein forms E5143Q, E7202Q.
Identifiers: ClinVar variation 930636 (VCV000930636.3), dbSNP rs1644564326, ClinGen allele CA339773799.
Genomic context (GRCh38, chr1:39,461,963, plus strand): 5'-GAGATGACTGCTGTGGCTGACATTTTCGACCGAGATGGGGATGGTTACATTGATTATTAT[G>C]AATTTGTGGCTGCTCTTCATCCCAACAAGGATGCGTATCGACCAACAACCGATGCAGATA-3'
Protein context (NP_001380991.1, residues 7192-7212): RDGDGYIDYY[Glu7202Gln]FVAALHPNKD